The following is an entry in ClinVar:

ClinVar aggregate classification (germline): Likely benign. Review status: criteria provided, multiple submitters, no conflicts (2 of 4 stars). 3 submissions from 3 submitters: Likely benign (2). 1 of the submissions does not count toward it. Last evaluated 2024-02-16.

Conditions:
SLC26A4-related disorder. Also called: SLC26A4-related disorders; SLC26A4-related condition.

Allele frequency attached by ClinVar (database versions not stated): gnomAD exomes 0.00003; ExAC 0.00005; gnomAD 0.00013; 1000 Genomes Project 30x 0.00016; 1000 Genomes Project 0.00020; TOPMed 0.00034.
gnomAD v4.1: 37 of 1,555,542 alleles (0.0024%); highest among the groups gnomAD compares: Admixed American, 0.05%; no homozygotes.

Submissions (3):

Labcorp Genetics (formerly Invitae), Labcorp
Classification: Likely benign. Last evaluated: 2024-02-16. Review status: criteria provided, single submitter. Criteria: Invitae Variant Classification Sherloc (09022015). Collection method: clinical testing. Allele origin: germline.

Laboratory for Molecular Medicine, Mass General Brigham Personalized Medicine
Classification: Likely benign. Last evaluated: 2016-12-22. Review status: criteria provided, single submitter. Criteria: LMM Criteria. Collection method: clinical testing. Allele origin: germline. Observed: 1 variant allele.
Comment: p.Leu30Leu in exon 2 of SLC26A4: This variant is not expected to have clinical s ignificance because it does not alter an amino acid residue and is not located w ithin the splice consensus sequence. It has been identified in 0.2% (1/544) of L atino chromosomes by the Exome Aggregation Consortium (ExAC; dbSNP rs566715839).

PreventionGenetics, part of Exact Sciences
Classification: Likely benign for SLC26A4-related condition. Last evaluated: 2024-03-28. Review status: no assertion criteria provided. Collection method: clinical testing. Allele origin: germline. Not counted in ClinVar's aggregate classification.
Comment: This variant is classified as likely benign based on ACMG/AMP sequence variant interpretation guidelines (Richards et al. 2015 PMID: 25741868, with internal and published modifications).

NM_000441.2(SLC26A4):c.90C>G (p.Leu30=)

Genes: SLC26A4 (solute carrier family 26 member 4; plus strand), SLC26A4-AS1 (SLC26A4 antisense RNA 1; minus strand). Cytogenetic location: 7q22.3.
Variant type: single nucleotide variant.
Coding change: c.90C>G on transcript NM_000441.2 (MANE Select); coding-DNA position 90, C replaced by G.
Protein change: p.Leu30=; no amino-acid change (leucine 30 retained).
Molecular consequence: synonymous variant. On other transcripts: non-coding transcript variant (1).
Genome position (GRCh38, 1-based): chr7:107,661,731, C>G. VCF-style: chr7-107661731-C-G. GRCh37 (hg19) VCF-style: chr7-107302176-C-G.
Identifiers: ClinVar variation 517167 (VCV000517167.16), dbSNP rs566715839, ClinGen allele CA4432362.